The following is an entry in ClinVar:

NM_001365999.1(SZT2):c.5125C>G (p.Leu1709Val)

Gene: SZT2 (SZT2 subunit of KICSTOR complex; plus strand). Cytogenetic location: 1p34.2.
Variant type: single nucleotide variant.
Coding change: c.5125C>G on transcript NM_001365999.1 (MANE Select); coding-DNA position 5125, C replaced by G.
Protein change: p.Leu1709Val; replaces leucine 1709 with valine.
Molecular consequence: missense variant.
Genome position (GRCh38, 1-based): chr1:43,431,752, C>G. VCF-style: chr1-43431752-C-G. GRCh37 (hg19) VCF-style: chr1-43897423-C-G.
Other names: c.4954C>G, p.Leu1652Val (NM_015284.4); short protein forms L1652V, L1709V.
Identifiers: ClinVar variation 1020682 (VCV001020682.8), dbSNP rs751568830, ClinGen allele CA809492.

ClinVar aggregate classification (germline): Uncertain significance (1 of 4 stars; one submission).

Allele frequency attached by ClinVar (database versions not stated): gnomAD below 0.00001 and 0.00001; gnomAD exomes below 0.00001; ExAC 0.00001.
gnomAD v4.1: 9 of 1,614,106 alleles (0.00056%); highest among the groups gnomAD compares: South Asian, 0.0088%; no homozygotes.

Submission:

Labcorp Genetics (formerly Invitae), Labcorp
Classification: Uncertain significance. Last evaluated: 2020-07-25. Review status: criteria provided, single submitter. Criteria: Invitae Variant Classification Sherloc (09022015). Collection method: clinical testing. Allele origin: germline.
Comment: In summary, the available evidence is currently insufficient to determine the role of this variant in disease. Therefore, it has been classified as a Variant of Uncertain Significance. Algorithms developed to predict the effect of missense changes on protein structure and function are either unavailable or do not agree on the potential impact of this missense change (SIFT: "Tolerated"; PolyPhen-2: "Probably Damaging"; Align-GVGD: "Class C0"). This variant has not been reported in the literature in individuals with SZT2-related conditions. This variant is present in population databases (rs751568830, ExAC 0.006%). This sequence change replaces leucine with valine at codon 1652 of the SZT2 protein (p.Leu1652Val). The leucine residue is highly conserved and there is a small physicochemical difference between leucine and valine.